The following is an entry in ClinVar:

ClinVar aggregate classification (germline): Pathogenic (1 of 4 stars; one submission).

Submission:

Quest Diagnostics Nichols Institute San Juan Capistrano
Classification: Pathogenic. Last evaluated: 2022-06-01. Review status: criteria provided, single submitter. Criteria: ACMG/ClinGen CNV Guidelines, 2019. Collection method: clinical testing. Allele origin: unknown.
Comment: This copy number loss of 2p16.3 involves several exons of the NRXN1 gene (OMIM 600565), biallelic pathogenic variants of which are associated with autosomal recessive Pitt-Hopkins-like syndrome-2 (OMIM 614325). Additionally, a heterozygous deletion of NRXN1 has been reported in patients with a wide spectrum of developmental and neuropsychiatric disorders, including intellectual disability, autism spectrum disorders, hypotonia and epilepsy, and disorders of speech and verbal expression (Castronovo 2020; Cosemans 2020; Fuccillo and Pak 2021). While some deletions occurred de novo or segregated with disease in families, others were inherited from asymptomatic parents, suggesting reduced penetrance and variable expressivity (Al Shehhi 2019). Lowther et al. suggested partial deletions near the 5' end have a higher penetrance for expression of neurodevelopmental phenotypes compared to those at the 3' end. However, the current deletion also overlaps losses reported in the general populations in the Database of Genomic Variants. Thus, this copy number variant is interpreted as pathogenic with incomplete penetrance and variable expressivity. References: Al Shehhi et al. Eur J Med Genet 2019;62(3):204-209. PMID: 30031152. Castronovo et al. Clin Genet. 2020 97:125-137. PMID: 30873608. Cosemans et al. J Med Genet 2020;57(5):347-355. PMID: 31932357. Fuccillo and Pak. Curr Opin Genet Dev. 2021;68:64-70. PMID: 33756113. Lowther et al. Genet Med. 2017;19(1):53-61. PMID: 27195815.

GRCh37/hg19 2p16.3(chr2:51047025-51209824)x1

Gene: NRXN1 (neurexin 1; minus strand). Cytogenetic location: 2p16.3.
Variant type: copy number loss.
Change: copy number 1 (one copy instead of two) of chr2:51,047,025-51,209,824 (162.8 kb, GRCh37 coordinates, 1-based), cytogenetic band 2p16.3.
Identifiers: ClinVar variation 1808689 (VCV001808689.1).